The following is an entry in ClinVar:

NM_007294.4(BRCA1):c.5556C>G (p.Thr1852=)

Gene: BRCA1 (BRCA1 DNA repair associated; minus strand). Cytogenetic location: 17q21.31.
Variant type: single nucleotide variant.
Coding change: c.5556C>G on transcript NM_007294.4 (MANE Select); coding-DNA position 5556, C replaced by G.
Protein change: p.Thr1852=; no amino-acid change (threonine 1852 retained).
Molecular consequence: synonymous variant. On other transcripts: 3 prime UTR variant (17).
Genome position (GRCh38, 1-based): chr17:43,045,714, G>C on the plus strand (C>G on the coding strand, the complement: BRCA1 is on the minus strand). VCF-style: chr17-43045714-G-C. GRCh37 (hg19) VCF-style: chr17-41197731-G-C.
Other names: T1852T; c.2241C>G, p.Thr747= (NM_001408402.1, NM_001408403.1, NM_001408404.1 and 7 more transcripts); c.2238C>G, p.Thr746= (NM_001408406.1, NM_001408407.1, NM_001408408.1); c.2235C>G, p.Thr745= (NM_001408409.1); c.2172C>G, p.Thr724= (NM_001408410.1); c.2169C>G, p.Thr723= (NM_001408411.1); c.2166C>G, p.Thr722= (NM_001408412.1, NM_001408413.1, NM_001408414.1 and 2 more transcripts); c.2130C>G, p.Thr710= (NM_001408418.1, NM_001408419.1, NM_001408420.1); and 75 more.
Identifiers: ClinVar variation 55626 (VCV000055626.23), dbSNP rs80356841, ClinGen allele CA003712.

ClinVar aggregate classification (germline): Likely benign. Review status: reviewed by expert panel (3 of 4 stars). 6 submissions from 6 submitters: Likely benign (1). 5 of the submissions do not count toward it. Last evaluated 2017-06-29.

Conditions:
Hereditary cancer-predisposing syndrome. Also called: Hereditary Cancer Syndrome; Hereditary neoplastic syndrome; Neoplastic Syndromes, Hereditary; Tumor predisposition. Identifiers: Orphanet 140162, MedGen C0027672, MeSH D009386, MONDO:0015356.
Hereditary breast ovarian cancer syndrome. Also called: BRCA1- and BRCA2-Associated Hereditary Breast and Ovarian Cancer; Hereditary breast and ovarian cancer syndrome; Hereditary breast and ovarian cancer syndrome (HBOC); Breast and ovarian cancer; Hereditary breast and/or ovarian cancer syndrome; Hereditary breast and ovarian cancer. Identifiers: Orphanet 145, MedGen C0677776, MeSH D061325, MONDO:0003582. Disease mechanism: loss of function.
Breast-ovarian cancer, familial, susceptibility to, 1 (BROVCA1). Also called: BRCA1 Hereditary Breast and Ovarian Cancer; OVARIAN CANCER, SUSCEPTIBILITY TO. Identifiers: Orphanet 145, MedGen C2676676, MONDO:0011450, OMIM 604370. Disease mechanism: loss of function.

Allele frequency attached by ClinVar (database versions not stated): TOPMed below 0.00001; gnomAD 0.00001.
gnomAD v4.1: 1 of 1,613,768 alleles (0.000062%); highest among the groups gnomAD compares: Non-Finnish European, 0.000085%; no homozygotes.

Submissions (7):

Evidence-based Network for the Interpretation of Germline Mutant Alleles (ENIGMA)
Classification: Likely benign for Breast-ovarian cancer, familial, susceptibility to, 1. Last evaluated: 2017-06-29. Review status: reviewed by expert panel. Criteria: ENIGMA BRCA1/2 Classification Criteria (2017-06-29). Collection method: curation. Allele origin: germline.
Comment: Synonymous substitution variant, with low bioinformatic likelihood to result in a splicing aberration (Splicing prior probability 0.02).

Labcorp Genetics (formerly Invitae), Labcorp
Classification: Likely benign for Hereditary breast ovarian cancer syndrome. Last evaluated: 2025-11-22. Review status: criteria provided, single submitter. Criteria: Invitae Variant Classification Sherloc (09022015). Collection method: clinical testing. Allele origin: germline. Not counted in ClinVar's aggregate classification.

Ambry Genetics
Classification: Likely benign for Hereditary cancer-predisposing syndrome. Last evaluated: 2016-06-19. Review status: criteria provided, single submitter. Criteria: Ambry Variant Classification Scheme 2023. Collection method: clinical testing. Allele origin: germline. Not counted in ClinVar's aggregate classification.

Color Diagnostics, LLC DBA Color Health
Classification: Likely benign for Hereditary cancer-predisposing syndrome. Last evaluated: 2015-08-14. Review status: criteria provided, single submitter. Criteria: ACMG Guidelines, 2015. Collection method: clinical testing. Allele origin: germline. Not counted in ClinVar's aggregate classification.

GeneDx
Classification: Benign. Last evaluated: 2015-07-27. Review status: criteria provided, single submitter. Criteria: GeneDx Variant Classification Process June 2021. Collection method: clinical testing. Allele origin: germline. Affected: yes. Not counted in ClinVar's aggregate classification.
Comment: This variant is associated with the following publications: (PMID: 30209399)

Breast Cancer Information Core (BIC) (BRCA1)
Classification: Uncertain significance for Breast-ovarian cancer, familial 1. Last evaluated: 2004-11-25. Review status: no assertion criteria provided. Collection method: clinical testing. Allele origin: germline. Affected: yes. Observed: 1 variant allele. Not counted in ClinVar's aggregate classification.

Brotman Baty Institute, University of Washington
No classification provided (evidence only). Condition: Breast-ovarian cancer, familial 1. Review status: no classification provided. Collection method: in vitro. Allele origin: not applicable. Functional consequence: functionally_normal. Not counted in ClinVar's aggregate classification.
ClinVar note: "not provided" was previously submitted as the classification for the variant. However, the classification appeared to be based only on an observation of functional data so it was converted to no classification on 2025-07-30.